The following is an entry in ClinVar:

ClinVar aggregate classification (germline): Benign/Likely benign. Review status: criteria provided, multiple submitters, no conflicts (2 of 4 stars). 5 submissions from 5 submitters: Benign (1); Likely benign (4). Last evaluated 2025-12-22.

Conditions:
TRIOBP-related disorder. Also called: TRIOBP-related condition.

Allele frequency attached by ClinVar (database versions not stated): gnomAD exomes 0.00023 and 0.00054; gnomAD 0.00035; 1000 Genomes Project 0.00040; 1000 Genomes Project 30x 0.00047; TOPMed 0.00047; ExAC 0.00062.
gnomAD v4.1: 424 of 1,600,124 alleles (0.026%); highest among the groups gnomAD compares: Middle Eastern, 0.05%; 3 homozygotes.

Submissions (5):

Labcorp Genetics (formerly Invitae), Labcorp
Classification: Benign. Last evaluated: 2025-12-22. Review status: criteria provided, single submitter. Criteria: Invitae Variant Classification Sherloc (09022015). Collection method: clinical testing. Allele origin: germline.

PreventionGenetics, part of Exact Sciences
Classification: Likely benign for TRIOBP-related condition. Last evaluated: 2025-02-19. Review status: criteria provided, single submitter. Criteria: ACMG Guidelines, 2015. Collection method: clinical testing. Allele origin: germline.
Comment: This variant is classified as likely benign based on ACMG/AMP sequence variant interpretation guidelines (Richards et al. 2015 PMID: 25741868, with internal and published modifications).

Blueprint Genetics
Classification: Likely benign. Last evaluated: 2023-11-28. Review status: criteria provided, single submitter. Criteria: ACMG Guidelines, 2015. Collection method: clinical testing. Allele origin: germline.

GeneDx
Classification: Likely benign. Last evaluated: 2021-05-06. Review status: criteria provided, single submitter. Criteria: GeneDx Variant Classification Process June 2021. Collection method: clinical testing. Allele origin: germline. Affected: yes.

Laboratory for Molecular Medicine, Mass General Brigham Personalized Medicine
Classification: Likely benign. Last evaluated: 2013-10-31. Review status: criteria provided, single submitter. Criteria: LMM Criteria. Collection method: clinical testing. Allele origin: germline. Observed: 2 variant alleles.
Comment: Leu1443Leu in exon 9 of TRIOBP: This variant is not expected to have clinical si gnificance because it does not alter an amino acid residue and is not located wi thin the splice consensus sequence.

NM_001039141.3(TRIOBP):c.4329A>G (p.Leu1443=)

Gene: TRIOBP (TRIO and F-actin binding protein; plus strand). Cytogenetic location: 22q13.1.
Variant type: single nucleotide variant.
Coding change: c.4329A>G on transcript NM_001039141.3 (MANE Select); coding-DNA position 4329, A replaced by G.
Protein change: p.Leu1443=; no amino-acid change (leucine 1443 retained).
Molecular consequence: synonymous variant.
Genome position (GRCh38, 1-based): chr22:37,734,665, A>G. VCF-style: chr22-37734665-A-G. GRCh37 (hg19) VCF-style: chr22-38130672-A-G.
Identifiers: ClinVar variation 165593 (VCV000165593.16), dbSNP rs547759535, ClinGen allele CA178331.